The following is an entry in ClinVar:

ClinVar aggregate classification (germline): Uncertain significance (1 of 4 stars; one submission).

Conditions:
Left ventricular noncompaction 8 (LVNC8). Identifiers: Orphanet 154, Orphanet 54260, MedGen C3809288, MONDO:0014152, OMIM 615373.

Allele frequency attached by ClinVar (database versions not stated): gnomAD 0.00001.
gnomAD v4.1: 23 of 1,613,630 alleles (0.0014%); highest among the groups gnomAD compares: Admixed American, 0.0067%; no homozygotes.

Submission:

Labcorp Genetics (formerly Invitae), Labcorp
Classification: Uncertain significance for Left ventricular noncompaction 8. Last evaluated: 2024-08-31. Review status: criteria provided, single submitter. Criteria: Invitae Variant Classification Sherloc (09022015). Collection method: clinical testing. Allele origin: germline.
Comment: This sequence change replaces glycine, which is neutral and non-polar, with serine, which is neutral and polar, at codon 707 of the PRDM16 protein (p.Gly707Ser). This variant is present in population databases (rs767432596, gnomAD 0.008%). This variant has not been reported in the literature in individuals affected with PRDM16-related conditions. ClinVar contains an entry for this variant (Variation ID: 2170213). An algorithm developed to predict the effect of missense changes on protein structure and function (PolyPhen-2) suggests that this variant is likely to be disruptive. In summary, the available evidence is currently insufficient to determine the role of this variant in disease. Therefore, it has been classified as a Variant of Uncertain Significance.

NM_022114.4(PRDM16):c.2119G>A (p.Gly707Ser)

Gene: PRDM16 (PR/SET domain 16; plus strand). Cytogenetic location: 1p36.32.
Variant type: single nucleotide variant.
Coding change: c.2119G>A on transcript NM_022114.4 (MANE Select); coding-DNA position 2119, G replaced by A.
Protein change: p.Gly707Ser; replaces glycine 707 with serine.
Molecular consequence: missense variant.
Genome position (GRCh38, 1-based): chr1:3,412,316, G>A. VCF-style: chr1-3412316-G-A. GRCh37 (hg19) VCF-style: chr1-3328880-G-A.
Other names: c.2119G>A, p.Gly707Ser (NM_199454.3); short protein forms G707S.
Identifiers: ClinVar variation 2170213 (VCV002170213.4), dbSNP rs767432596, ClinGen allele CA544388.
Genomic context (GRCh38, chr1:3,412,316, plus strand): 5'-GGCGCCGCCGGGGACTCCATCAAGGCCATCGCATCCATTGCCGAGAAGTACTTTGGCCCC[G>A]GCTTCATGGGGATGCAGGAGAAGAAGCTGGGCTCGCTCCCCTACCACTCGGCGTTCCCCT-3'
Protein context (NP_071397.3, residues 697-717): ASIAEKYFGP[Gly707Ser]FMGMQEKKLG